The following is an entry in ClinVar:

ClinVar aggregate classification (germline): Pathogenic. Review status: criteria provided, multiple submitters, no conflicts (2 of 4 stars). 2 submissions from 2 submitters: Pathogenic (2). Last evaluated 2025-03-14.

Conditions:
Hereditary cancer-predisposing syndrome. Also called: Hereditary Cancer Syndrome; Hereditary neoplastic syndrome; Neoplastic Syndromes, Hereditary; Tumor predisposition. Identifiers: Orphanet 140162, MedGen C0027672, MeSH D009386, MONDO:0015356.
Tumor predisposition syndrome 3 (TPDS3). Also called: Glioma susceptibility 9; Melanoma, cutaneous malignant, susceptibility to, 10; LONG TELOMERE SYNDROME, POT1-RELATED; POT1 Tumor Predisposition. Identifiers: Orphanet 618, MedGen C4014476, MONDO:0014368, OMIM 615848.

Submissions (2):

Ambry Genetics
Classification: Pathogenic for Hereditary cancer-predisposing syndrome. Last evaluated: 2025-03-14. Review status: criteria provided, single submitter. Criteria: Ambry Variant Classification Scheme 2023. Collection method: clinical testing. Allele origin: germline.
Comment: The c.371delA pathogenic mutation, located in coding exon 4 of the POT1 gene, results from a deletion of one nucleotide at nucleotide position 371, causing a translational frameshift with a predicted alternate stop codon (p.N124Tfs*10). This variant is considered to be rare based on population cohorts in the Genome Aggregation Database (gnomAD). This alteration is expected to result in loss of function by premature protein truncation or nonsense-mediated mRNA decay. As such, this alteration is interpreted as a disease-causing mutation.

Labcorp Genetics (formerly Invitae), Labcorp
Classification: Pathogenic for Tumor predisposition syndrome 3. Last evaluated: 2023-10-09. Review status: criteria provided, single submitter. Criteria: Invitae Variant Classification Sherloc (09022015). Collection method: clinical testing. Allele origin: germline.
Comment: This sequence change creates a premature translational stop signal (p.Asn124Thrfs*10) in the POT1 gene. It is expected to result in an absent or disrupted protein product. Loss-of-function variants in POT1 are known to be pathogenic (PMID: 32155570). This variant is not present in population databases (gnomAD no frequency). This variant has not been reported in the literature in individuals affected with POT1-related conditions. For these reasons, this variant has been classified as Pathogenic.

Literature cited by the submitters: PubMed 32155570 (cited by Labcorp Genetics (formerly Invitae), Labcorp).

NM_015450.3(POT1):c.371del (p.Asn124fs)

Gene: POT1 (protection of telomeres 1; minus strand). Cytogenetic location: 7q31.33.
Variant type: Deletion.
Coding change: c.371del on transcript NM_015450.3 (MANE Select); coding-DNA position 371, one base deleted (A; older notation c.371delA).
Protein change: p.Asn124fs; shifts the reading frame from asparagine 124.
Molecular consequence: frameshift variant. On other transcripts: 5 prime UTR variant (1), non-coding transcript variant (3).
Genome position (GRCh38, 1-based): chr7:124,863,525, T deleted on the plus strand (A on the coding strand, the reverse complement: POT1 is on the minus strand); the first of 2 consecutive T bases (chr7:124,863,525-124,863,526); deleting either gives the same sequence. VCF-style (leftmost placement, unchanged base first): chr7-124863524-GT-G. GRCh37 (hg19) VCF-style: chr7-124503578-GT-G.
Other names: c.371delA (NM_015450.2); c.-23del (NM_001042594.2); short protein forms N124fs.
Identifiers: ClinVar variation 2767121 (VCV002767121.4), dbSNP rs2485480737, ClinGen allele CA2697557611.